The following is an entry in ClinVar:

ClinVar aggregate classification (germline): Benign/Likely benign. Review status: criteria provided, multiple submitters, no conflicts (2 of 4 stars). 3 submissions from 3 submitters: Benign (2); Likely benign (1). Last evaluated 2026-09-01.

Allele frequency attached by ClinVar (database versions not stated): 1000 Genomes Project 0.00160; 1000 Genomes Project 30x 0.00172; ESP Exome Variant Server 0.00195; TOPMed 0.00247; gnomAD 0.00279 and 0.00284; gnomAD exomes 0.00329 and 0.00348; ExAC 0.00851.

Submissions (3):

CeGaT Center for Human Genetics Tuebingen
Classification: Likely benign. Last evaluated: 2026-09-01. Review status: criteria provided, single submitter. Criteria: CeGaT Center For Human Genetics Tuebingen Variant Classification Criteria Version 2. Collection method: clinical testing. Allele origin: germline. Affected: yes. Observed: 8 variant alleles.
Comment: PRR12: BP4, BP7, BS2

Labcorp Genetics (formerly Invitae), Labcorp
Classification: Benign. Last evaluated: 2019-12-31. Review status: criteria provided, single submitter. Criteria: Invitae Variant Classification Sherloc (09022015). Collection method: clinical testing. Allele origin: germline.

Breakthrough Genomics
Classification: Benign. Review status: criteria provided, single submitter. Criteria: ACMG Guidelines, 2015. Collection method: not provided. Allele origin: germline. Inheritance: Autosomal dominant inheritance. Affected: yes.

NM_020719.3(PRR12):c.3228C>T (p.Ser1076=)

Gene: PRR12 (proline rich 12; plus strand). Cytogenetic location: 19q13.33.
Variant type: single nucleotide variant.
Coding change: c.3228C>T on transcript NM_020719.3 (MANE Select); coding-DNA position 3228, C replaced by T.
Protein change: p.Ser1076=; no amino-acid change (serine 1076 retained).
Molecular consequence: synonymous variant.
Genome position (GRCh38, 1-based): chr19:49,597,563, C>T. VCF-style: chr19-49597563-C-T. GRCh37 (hg19) VCF-style: chr19-50100820-C-T.
Identifiers: ClinVar variation 775118 (VCV000775118.18), dbSNP rs189013078, ClinGen allele CA9578253.